The following is an entry in ClinVar:

ClinVar aggregate classification (germline): Uncertain significance. Review status: criteria provided, multiple submitters, no conflicts (2 of 4 stars). 2 submissions from 2 submitters: Uncertain significance (2). Last evaluated 2025-06-03.

Conditions:
Inborn genetic diseases. Identifiers: MedGen C0950123, MeSH D030342.

Submissions (2):

Ambry Genetics
Classification: Uncertain significance for Inborn genetic diseases. Last evaluated: 2025-06-03. Review status: criteria provided, single submitter. Criteria: Ambry Variant Classification Scheme 2023. Collection method: clinical testing. Allele origin: germline.

GeneDx
Classification: Uncertain significance. Last evaluated: 2023-11-01. Review status: criteria provided, single submitter. Criteria: GeneDx Variant Classification Process June 2021. Collection method: clinical testing. Allele origin: germline. Affected: yes.
Comment: Not observed at significant frequency in large population cohorts (gnomAD); In silico analysis supports that this missense variant does not alter protein structure/function; Has not been previously published as pathogenic or benign to our knowledge

NM_001282531.3(ADNP):c.3239T>C (p.Met1080Thr)

Gene: ADNP (activity dependent neuroprotector homeobox; minus strand). Cytogenetic location: 20q13.13.
Variant type: single nucleotide variant.
Coding change: c.3239T>C on transcript NM_001282531.3 (MANE Select); coding-DNA position 3239, T replaced by C.
Protein change: p.Met1080Thr; replaces methionine 1080 with threonine.
Molecular consequence: missense variant.
Genome position (GRCh38, 1-based): chr20:50,891,475, A>G on the plus strand (T>C on the coding strand, the complement: ADNP is on the minus strand). VCF-style: chr20-50891475-A-G. GRCh37 (hg19) VCF-style: chr20-49508012-A-G.
Other names: c.3239T>C, p.Met1080Thr (NM_001282532.2, NM_001347511.2, NM_015339.5 and 1 more transcripts); short protein forms M1080T.
Identifiers: ClinVar variation 3363755 (VCV003363755.2).